The following is an entry in ClinVar:

NM_001018113.3(FANCB):c.1497_2580del (p.Ser500fs)

Gene: FANCB (FA complementation group B; minus strand). Cytogenetic location: Xp22.2.
Variant type: Deletion.
Coding change: c.1497_2580del on transcript NM_001018113.3 (MANE Select); coding-DNA positions 1497 to 2580, 1,084 bases deleted.
Protein change: p.Ser500fs; shifts the reading frame from serine 500.
Molecular consequence: frameshift variant, splice acceptor variant, splice donor variant.
Genome position: GRCh38: chrX:14,843,567-14,845,286. GRCh37 (hg19): chrX:14,861,689-14,863,408.
Other names: c.1497_2580del, p.Ser500fs (NM_001324162.2, NM_152633.4); short protein forms S500fs.
Identifiers: ClinVar variation 691306 (VCV000691306.1), ClinGen allele CA915950773.

ClinVar aggregate classification (germline): Pathogenic (0 of 4 stars; one submission).

Conditions:
Fanconi anemia complementation group B (FANCB). Also called: FANCB-Related Fanconi Anemia; FANCONI PANCYTOPENIA, TYPE 2. Identifiers: Orphanet 84, MedGen C1845292, MONDO:0010351, OMIM 300514.

Submission:

Leiden Open Variation Database
Classification: Pathogenic for Fanconi anemia complementation group B. Last evaluated: 2019-09-27. Review status: no assertion criteria provided. Collection method: curation. Allele origin: germline. Affected: yes.
Comment: Curator: Arleen D. Auerbach. Submitter to LOVD: Arleen D. Auerbach.

Literature cited by the submitters: PubMed 21910217.